The following is an entry in ClinVar:

NM_000642.3(AGL):c.2157+4A>T

Gene: AGL (amylo-alpha-1,6-glucosidase and 4-alpha-glucanotransferase; plus strand). Cytogenetic location: 1p21.2.
Variant type: single nucleotide variant.
Coding change: c.2157+4A>T on transcript NM_000642.3 (MANE Select); 4 bases into the intron after coding-DNA position 2157, A replaced by T.
Molecular consequence: intron variant.
Genome position (GRCh38, 1-based): chr1:99,881,451, A>T. VCF-style: chr1-99881451-A-T. GRCh37 (hg19) VCF-style: chr1-100347007-A-T.
Other names: c.2157+4A>T (NM_000643.3, NM_000644.3, NM_001425326.1 and 2 more transcripts); c.2109+4A>T (NM_000646.3); c.1956+4A>T (NM_001425327.1); c.1953+4A>T (NM_001425328.1, NM_001425329.1); c.1779+4A>T (NM_001425332.1).
Identifiers: ClinVar variation 654593 (VCV000654593.4), dbSNP rs1178861512, ClinGen allele CA741032782.
Genomic context (GRCh38, chr1:99,881,451, plus strand): 5'-GCCAGGTGTGCTATCAGTAAACTTCATCAGGAGCTTGGAGCCAAGGGTTTTATTCAGGCA[A>T]GAAATAATTAAATTTGTTTCTTCAGGTTCAATTTCAGAGTAAGTCTTTCCAGTTTGAGAG-3'

ClinVar aggregate classification (germline): Uncertain significance (1 of 4 stars; one submission).

Conditions:
Glycogen storage disease type III (GSD3). Also called: Cori disease; FORBES DISEASE. Identifiers: Orphanet 366, MedGen C0017922, MONDO:0009291, OMIM 232400.

Allele frequency attached by ClinVar (database versions not stated): gnomAD exomes below 0.00001; gnomAD 0.00001; TOPMed 0.00001.
gnomAD v4.1: 3 of 1,613,978 alleles (0.00019%); highest among the groups gnomAD compares: African/African-American, 0.004%; no homozygotes.

Submission:

Labcorp Genetics (formerly Invitae), Labcorp
Classification: Uncertain significance for Glycogen storage disease type III. Last evaluated: 2022-10-17. Review status: criteria provided, single submitter. Criteria: Invitae Variant Classification Sherloc (09022015). Collection method: clinical testing. Allele origin: germline.
Comment: This sequence change falls in intron 16 of the AGL gene. It does not directly change the encoded amino acid sequence of the AGL protein. It affects a nucleotide within the consensus splice site. This variant is not present in population databases (gnomAD no frequency). This variant has not been reported in the literature in individuals affected with AGL-related conditions. ClinVar contains an entry for this variant (Variation ID: 654593). Variants that disrupt the consensus splice site are a relatively common cause of aberrant splicing (PMID: 17576681, 9536098). Algorithms developed to predict the effect of sequence changes on RNA splicing suggest that this variant may disrupt the consensus splice site. In summary, the available evidence is currently insufficient to determine the role of this variant in disease. Therefore, it has been classified as a Variant of Uncertain Significance.

Literature cited by the submitters: PubMed 17576681; PubMed 9536098.